The following is an entry in ClinVar:

ClinVar aggregate classification (germline): Conflicting classifications of pathogenicity. Review status: criteria provided, conflicting classifications (1 of 4 stars). 4 submissions from 4 submitters: Uncertain significance (1); Likely benign (3). Last evaluated 2025-11-12.

Conditions:
Cardiovascular phenotype. Identifiers: MedGen CN230736.
Catecholaminergic polymorphic ventricular tachycardia 5 (CARDAR). Also called: Ventricular tachycardia, catecholaminergic polymorphic, 5, with or without muscle weakness; CARDIAC ARRHYTHMIA SYNDROME, WITH OR WITHOUT SKELETAL MUSCLE WEAKNESS. Identifiers: Orphanet 3286, MedGen C3809536, MONDO:0014191, OMIM 615441.
Catecholaminergic polymorphic ventricular tachycardia 1. Also called: VENTRICULAR TACHYCARDIA, CATECHOLAMINERGIC POLYMORPHIC, 1, WITH OR WITHOUT ATRIAL DYSFUNCTION AND/OR DILATED CARDIOMYOPATHY; VENTRICULAR TACHYCARDIA, STRESS-INDUCED POLYMORPHIC 1; RYR2-Related Catecholaminergic Polymorphic Ventricular Tachycardia. Identifiers: Orphanet 3286, MedGen C1631597, MONDO:0011484, OMIM 604772.

Allele frequency attached by ClinVar (database versions not stated): TOPMed 0.00005.
gnomAD v4.1: 68 of 1,610,224 alleles (0.0042%); highest among the groups gnomAD compares: Non-Finnish European, 0.0057%; no homozygotes.

Submissions (4):

Labcorp Genetics (formerly Invitae), Labcorp
Classification: Likely benign for Catecholaminergic polymorphic ventricular tachycardia 1. Last evaluated: 2025-11-12. Review status: criteria provided, single submitter. Criteria: Invitae Variant Classification Sherloc (09022015). Collection method: clinical testing. Allele origin: germline.

Ambry Genetics
Classification: Uncertain significance for Cardiovascular phenotype. Last evaluated: 2025-05-08. Review status: criteria provided, single submitter. Criteria: Ambry Variant Classification Scheme 2023. Collection method: clinical testing. Allele origin: germline.
Comment: The c.1721-4A>T intronic variant results from an A to T substitution 4 nucleotides upstream from coding exon 31 in the TRDN gene. This nucleotide position is well conserved in available vertebrate species. In silico splice site analysis for this alteration is inconclusive. Based on the available evidence, the clinical significance of this variant remains unclear.

ARUP Laboratories, Molecular Genetics and Genomics, ARUP Laboratories
Classification: Likely benign for Catecholaminergic polymorphic ventricular tachycardia 5. Last evaluated: 2023-11-27. Review status: criteria provided, single submitter. Criteria: ARUP Molecular Germline Variant Investigation Process 2024. Collection method: clinical testing. Allele origin: germline.

GeneDx
Classification: Likely benign. Last evaluated: 2021-03-03. Review status: criteria provided, single submitter. Criteria: GeneDx Variant Classification Process June 2021. Collection method: clinical testing. Allele origin: germline. Affected: yes.

NM_006073.4(TRDN):c.1721-4A>T

Gene: TRDN (triadin; minus strand). Cytogenetic location: 6q22.31.
Variant type: single nucleotide variant.
Coding change: c.1721-4A>T on transcript NM_006073.4 (MANE Select); 4 bases into the intron before coding-DNA position 1721, A replaced by T.
Molecular consequence: intron variant.
Genome position (GRCh38, 1-based): chr6:123,269,870, T>A on the plus strand (A>T on the coding strand, the complement: TRDN is on the minus strand). VCF-style: chr6-123269870-T-A. GRCh37 (hg19) VCF-style: chr6-123591015-T-A.
Other names: c.1721-4A>T (NM_006073.2).
Identifiers: ClinVar variation 1040678 (VCV001040678.13), dbSNP rs60743141, ClinGen allele CA3983789.